The following is an entry in ClinVar:

ClinVar aggregate classification (germline): Uncertain significance (1 of 4 stars; one submission).

Conditions:
Inborn genetic diseases. Identifiers: MedGen C0950123, MeSH D030342.

Submission:

Ambry Genetics
Classification: Uncertain significance for Inborn genetic diseases. Last evaluated: 2025-11-11. Review status: criteria provided, single submitter. Criteria: Ambry Variant Classification Scheme 2023. Collection method: clinical testing. Allele origin: germline.
Comment: The p.G119A variant (also known as c.356G>C), located in coding exon 3 of the G6PC3 gene, results from a G to C substitution at nucleotide position 356. The glycine at codon 119 is replaced by alanine, an amino acid with similar properties. This amino acid position is conserved. In addition, this alteration is predicted to be tolerated by in silico analysis. Based on the available evidence, the clinical significance of this variant remains unclear.

NM_138387.4(G6PC3):c.356G>C (p.Gly119Ala)

Gene: G6PC3 (glucose-6-phosphatase catalytic subunit 3; plus strand). Cytogenetic location: 17q21.31.
Variant type: single nucleotide variant.
Coding change: c.356G>C on transcript NM_138387.4 (MANE Select); coding-DNA position 356, G replaced by C.
Protein change: p.Gly119Ala; replaces glycine 119 with alanine.
Molecular consequence: missense variant.
Genome position (GRCh38, 1-based): chr17:44,074,710, G>C. VCF-style: chr17-44074710-G-C. GRCh37 (hg19) VCF-style: chr17-42152078-G-C.
Other names: c.356G>C, p.Gly119Ala (NM_001319945.2); c.11G>C, p.Gly4Ala (NM_001384165.1, NM_001384166.1, NM_001384167.1 and 1 more transcripts); short protein forms G119A, G4A.
Identifiers: ClinVar variation 4620518 (VCV004620518.1).
Genomic context (GRCh38, chr17:44,074,710, plus strand): 5'-CTCACCACGAGCTTCTGGATTTGCTGGCAGGCAGCCCTTCTGGACACTGCATGATCACAG[G>C]AGCAGCCCTCTGGCCCATAATGACGGCCCTGTCTTCGCAGGTGGCCACTCGGGCCCGCAG-3'
Protein context (NP_612396.1, residues 109-129): GSPSGHCMIT[Gly119Ala]AALWPIMTAL